The following is an entry in ClinVar:

ClinVar aggregate classification (germline): Conflicting classifications of pathogenicity. Review status: criteria provided, conflicting classifications (1 of 4 stars). 4 submissions from 4 submitters: Uncertain significance (1); Benign (1); Likely benign (1). 1 of the submissions does not count toward it. Last evaluated 2025-08-23.

Conditions:
RAI1-related disorder. Also called: RAI1-related condition.
Inborn genetic diseases. Identifiers: MedGen C0950123, MeSH D030342.

Allele frequency attached by ClinVar (database versions not stated): TOPMed 0.00004; gnomAD exomes 0.00002; gnomAD 0.00004 and 0.00003; ExAC 0.00002.

Submissions (4):

Ambry Genetics
Classification: Likely benign for Inborn genetic diseases. Last evaluated: 2025-08-23. Review status: criteria provided, single submitter. Criteria: Ambry Variant Classification Scheme 2023. Collection method: clinical testing. Allele origin: germline.

Labcorp Genetics (formerly Invitae), Labcorp
Classification: Benign. Last evaluated: 2025-03-11. Review status: criteria provided, single submitter. Criteria: Invitae Variant Classification Sherloc (09022015). Collection method: clinical testing. Allele origin: germline.

Eurofins Ntd Llc (ga)
Classification: Uncertain significance. Last evaluated: 2013-08-30. Review status: criteria provided, single submitter. Criteria: EGL Classification Definitions 2015. Collection method: clinical testing. Allele origin: germline. Observed: 1 variant allele, 1 heterozygote.

PreventionGenetics, part of Exact Sciences
Classification: Uncertain significance for RAI1-related condition. Last evaluated: 2024-06-19. Review status: no assertion criteria provided. Collection method: clinical testing. Allele origin: germline. Not counted in ClinVar's aggregate classification.
Comment: The RAI1 c.2074G>A variant is predicted to result in the amino acid substitution p.Val692Met. To our knowledge, this variant has not been reported in the literature. This variant is reported in 0.010% of alleles in individuals of East Asian descent in gnomAD. At this time, the clinical significance of this variant is uncertain due to the absence of conclusive functional and genetic evidence.

NM_030665.4(RAI1):c.2074G>A (p.Val692Met)

Gene: RAI1 (retinoic acid induced 1; plus strand). Cytogenetic location: 17p11.2.
Variant type: single nucleotide variant.
Coding change: c.2074G>A on transcript NM_030665.4 (MANE Select); coding-DNA position 2074, G replaced by A.
Protein change: p.Val692Met; replaces valine 692 with methionine.
Molecular consequence: missense variant.
Genome position (GRCh38, 1-based): chr17:17,795,022, G>A. VCF-style: chr17-17795022-G-A. GRCh37 (hg19) VCF-style: chr17-17698336-G-A.
Other names: short protein forms V692M.
Identifiers: ClinVar variation 96181 (VCV000096181.12), dbSNP rs398124415, ClinGen allele CA223800.